The following is an entry in ClinVar:

ClinVar aggregate classification (germline): Likely benign. Review status: criteria provided, multiple submitters, no conflicts (2 of 4 stars). 2 submissions from 2 submitters: Likely benign (2). Last evaluated 2025-09-19.

Conditions:
Tuberous sclerosis 2 (TSC2). Identifiers: Orphanet 805, MedGen C1860707, MONDO:0013199, OMIM 613254.

Allele frequency attached by ClinVar (database versions not stated): TOPMed below 0.00001.

Submissions (2):

Labcorp Genetics (formerly Invitae), Labcorp
Classification: Likely benign for Tuberous sclerosis 2. Last evaluated: 2025-09-19. Review status: criteria provided, single submitter. Criteria: Invitae Variant Classification Sherloc (09022015). Collection method: clinical testing. Allele origin: germline.

Myriad Genetics, Inc.
Classification: Likely benign for Tuberous sclerosis 2. Last evaluated: 2025-05-19. Review status: criteria provided, single submitter. Criteria: Myriad Autosomal Dominant, Autosomal Recessive and X-Linked Classification Criteria (2023). Collection method: clinical testing. Allele origin: unknown.
Comment: This variant is considered likely benign. This variant is intronic and is not expected to impact mRNA splicing.

NM_000548.5(TSC2):c.2356-14C>T

Gene: TSC2 (TSC complex subunit 2; plus strand). Cytogenetic location: 16p13.3.
Variant type: single nucleotide variant.
Coding change: c.2356-14C>T on transcript NM_000548.5 (MANE Select); 14 bases into the intron before coding-DNA position 2356, C replaced by T.
Molecular consequence: intron variant.
Genome position (GRCh38, 1-based): chr16:2,074,186, C>T. VCF-style: chr16-2074186-C-T. GRCh37 (hg19) VCF-style: chr16-2124187-C-T.
Other names: c.2356-14C>T (NM_001114382.3, NM_021055.3, NM_001370405.1 and 3 more transcripts); c.2389-14C>T (NM_001318832.2); c.2245-14C>T (NM_001318827.2); c.1756-14C>T (NM_001318831.2); c.2209-14C>T (NM_001318829.2).
Identifiers: ClinVar variation 2151710 (VCV002151710.5), dbSNP rs2088906710, ClinGen allele CA2202031086.
Genomic context (GRCh38, chr16:2,074,186, plus strand): 5'-CGAGGTTGGCGAGGGGTAGGCGAGGCTGCCTCTGCTGCAAGCGGGTGGGGCCTGAGGTGT[C>T]CTGTCTCCTGCAGCGCGAGATGGTCTACTGCCTGGAGCAGGGCCTCATCCACCGCTGTGC-3'